The following is an entry in ClinVar:

ClinVar aggregate classification (germline): Conflicting classifications of pathogenicity. Review status: criteria provided, conflicting classifications (1 of 4 stars). 3 submissions from 3 submitters: Uncertain significance (2); Likely benign (1). Last evaluated 2026-02-01.

Conditions:
Cutis laxa, autosomal dominant 3 (ADCL3). Identifiers: Orphanet 90348, MedGen C4225268, MONDO:0014706, OMIM 616603.
Autosomal dominant spastic paraplegia type 9. Identifiers: MedGen C1832669, MONDO:0015091.
de Barsy syndrome. Also called: Cutis laxa-corneal clouding-oligophrenia syndrome. Identifiers: Orphanet 2962, MedGen C0268354, MONDO:0017569.

Allele frequency attached by ClinVar (database versions not stated): gnomAD exomes below 0.00001; TOPMed 0.00001.
gnomAD v4.1: 1 of 1,609,086 alleles (0.000062%); highest among the groups gnomAD compares: Admixed American, 0.0017%; no homozygotes.

Submissions (3):

CeGaT Center for Human Genetics Tuebingen
Classification: Likely benign. Last evaluated: 2026-02-01. Review status: criteria provided, single submitter. Criteria: CeGaT Center For Human Genetics Tuebingen Variant Classification Criteria Version 2. Collection method: clinical testing. Allele origin: germline. Affected: yes. Observed: 1 variant allele.
Comment: ALDH18A1: BP4

Labcorp Genetics (formerly Invitae), Labcorp
Classification: Uncertain significance for Autosomal dominant spastic paraplegia type 9; de Barsy syndrome; Cutis laxa, autosomal dominant 3. Last evaluated: 2025-02-03. Review status: criteria provided, single submitter. Criteria: Invitae Variant Classification Sherloc (09022015). Collection method: clinical testing. Allele origin: germline.
Comment: This sequence change replaces threonine, which is neutral and polar, with alanine, which is neutral and non-polar, at codon 25 of the ALDH18A1 protein (p.Thr25Ala). This variant is present in population databases (no rsID available, gnomAD 0.003%). This variant has not been reported in the literature in individuals affected with ALDH18A1-related conditions. ClinVar contains an entry for this variant (Variation ID: 2202333). An algorithm developed to predict the effect of missense changes on protein structure and function outputs the following: PolyPhen-2: "Benign". The alanine amino acid residue is found in multiple mammalian species, which suggests that this missense change does not adversely affect protein function. In summary, the available evidence is currently insufficient to determine the role of this variant in disease. Therefore, it has been classified as a Variant of Uncertain Significance.

Mayo Clinic Laboratories, Mayo Clinic
Classification: Uncertain significance. Last evaluated: 2024-08-20. Review status: criteria provided, single submitter. Criteria: ACMG Guidelines, 2015. Collection method: clinical testing. Allele origin: germline. Observed: 1 variant allele.
Comment: BP4

NM_002860.4(ALDH18A1):c.73A>G (p.Thr25Ala)

Gene: ALDH18A1 (aldehyde dehydrogenase 18 family member A1; minus strand). Cytogenetic location: 10q24.1.
Variant type: single nucleotide variant.
Coding change: c.73A>G on transcript NM_002860.4 (MANE Select); coding-DNA position 73, A replaced by G.
Protein change: p.Thr25Ala; replaces threonine 25 with alanine.
Molecular consequence: missense variant. On other transcripts: 5 prime UTR variant (4).
Genome position (GRCh38, 1-based): chr10:95,653,305, T>C on the plus strand (A>G on the coding strand, the complement: ALDH18A1 is on the minus strand). VCF-style: chr10-95653305-T-C. GRCh37 (hg19) VCF-style: chr10-97413062-T-C.
Other names: p.Thr25Ala; c.73A>G, p.Thr25Ala (NM_001017423.2, NM_001323413.2, NM_001323414.2 and 2 more transcripts); c.-46A>G (NM_001323412.2, NM_001323416.2, NM_001323418.2); c.-94A>G (NM_001323419.2); short protein forms T25A.
Identifiers: ClinVar variation 2202333 (VCV002202333.9), dbSNP rs1240748634, ClinGen allele CA377710478.